The following is an entry in ClinVar:

ClinVar aggregate classification (germline): Likely benign. Review status: criteria provided, multiple submitters, no conflicts (2 of 4 stars). 2 submissions from 2 submitters: Likely benign (2). Last evaluated 2025-08-01.

Conditions:
Hereditary cancer-predisposing syndrome. Also called: Hereditary neoplastic syndrome; Tumor predisposition; Neoplastic Syndromes, Hereditary; Hereditary Cancer Syndrome. Identifiers: Orphanet 140162, MedGen C0027672, MeSH D009386, MONDO:0015356.

Submissions (2):

CeGaT Center for Human Genetics Tuebingen
Classification: Likely benign. Last evaluated: 2025-08-01. Review status: criteria provided, single submitter. Criteria: CeGaT Center For Human Genetics Tuebingen Variant Classification Criteria Version 2. Collection method: clinical testing. Allele origin: germline. Affected: yes. Observed: 1 variant allele.
Comment: APC: PM2:Supporting, BP4, BP7

Ambry Genetics
Classification: Likely benign for Hereditary cancer-predisposing syndrome. Last evaluated: 2019-08-24. Review status: criteria provided, single submitter. Criteria: Ambry Variant Classification Scheme 2023. Collection method: clinical testing. Allele origin: germline.

NM_000038.6(APC):c.4086C>A (p.Ser1362=)

Gene: APC (APC regulator of Wnt signaling pathway; plus strand). Cytogenetic location: 5q22.2.
Variant type: single nucleotide variant.
Coding change: c.4086C>A on transcript NM_000038.6 (MANE Select); coding-DNA position 4086, C replaced by A.
Protein change: p.Ser1362=; no amino-acid change (serine 1362 retained).
Molecular consequence: synonymous variant. On other transcripts: non-coding transcript variant (2).
Genome position (GRCh38, 1-based): chr5:112,839,680, C>A. VCF-style: chr5-112839680-C-A. GRCh37 (hg19) VCF-style: chr5-112175377-C-A.
Other names: c.4086C>A, p.Ser1362= (NM_001127510.3, NM_001354895.2, NM_001407450.1); c.4032C>A, p.Ser1344= (NM_001127511.3); c.4140C>A, p.Ser1380= (NM_001354896.2, NM_001407447.1, NM_001407448.1 and 1 more transcripts); c.4116C>A, p.Ser1372= (NM_001354897.2); c.4011C>A, p.Ser1337= (NM_001354898.2); c.4002C>A, p.Ser1334= (NM_001354899.2); c.3963C>A, p.Ser1321= (NM_001354900.2); c.3909C>A, p.Ser1303= (NM_001354901.2, NM_001407453.1); and 11 more.
Identifiers: ClinVar variation 1737662 (VCV001737662.10), dbSNP rs763053012, ClinGen allele CA445964102.